The following is an entry in ClinVar:

ClinVar aggregate classification (germline): Conflicting classifications of pathogenicity. Review status: criteria provided, conflicting classifications (1 of 4 stars). 2 submissions from 2 submitters: Uncertain significance (1); Likely benign (1). Last evaluated 2026-06-03.

Conditions:
Renal cell carcinoma. Identifiers: Orphanet 217071, MedGen C0007134, MeSH D002292, MONDO:0005086, HP:0005584.
Hereditary cancer-predisposing syndrome. Also called: Hereditary neoplastic syndrome; Tumor predisposition; Hereditary Cancer Syndrome; Neoplastic Syndromes, Hereditary. Identifiers: Orphanet 140162, MedGen C0027672, MeSH D009386, MONDO:0015356.

gnomAD v4.1: 1 of 1,614,092 alleles (0.000062%); highest among the groups gnomAD compares: Non-Finnish European, 0.000085%; no homozygotes.

Submissions (2):

Ambry Genetics
Classification: Likely benign for Hereditary cancer-predisposing syndrome. Last evaluated: 2026-06-03. Review status: criteria provided, single submitter. Criteria: Ambry Variant Classification Scheme 2023. Collection method: clinical testing. Allele origin: germline.

Labcorp Genetics (formerly Invitae), Labcorp
Classification: Uncertain significance for Renal cell carcinoma. Last evaluated: 2025-01-11. Review status: criteria provided, single submitter. Criteria: Invitae Variant Classification Sherloc (09022015). Collection method: clinical testing. Allele origin: germline.
Comment: This sequence change replaces lysine, which is basic and polar, with asparagine, which is neutral and polar, at codon 220 of the MET protein (p.Lys220Asn). This variant is not present in population databases (gnomAD no frequency). This variant has not been reported in the literature in individuals affected with MET-related conditions. Invitae Evidence Modeling of protein sequence and biophysical properties (such as structural, functional, and spatial information, amino acid conservation, physicochemical variation, residue mobility, and thermodynamic stability) has been performed for this missense variant. However, the output from this modeling did not meet the statistical confidence thresholds required to predict the impact of this variant on MET protein function. In summary, the available evidence is currently insufficient to determine the role of this variant in disease. Therefore, it has been classified as a Variant of Uncertain Significance.

NM_000245.4(MET):c.660G>C (p.Lys220Asn)

Gene: MET (MET proto-oncogene, receptor tyrosine kinase; plus strand). Cytogenetic location: 7q31.2.
Variant type: single nucleotide variant.
Coding change: c.660G>C on transcript NM_000245.4 (MANE Select); coding-DNA position 660, G replaced by C.
Protein change: p.Lys220Asn; replaces lysine 220 with asparagine.
Molecular consequence: missense variant. On other transcripts: intron variant (1).
Genome position (GRCh38, 1-based): chr7:116,699,744, G>C. VCF-style: chr7-116699744-G-C. GRCh37 (hg19) VCF-style: chr7-116339798-G-C.
Other names: c.660G>C, p.Lys220Asn (NM_001127500.3, NM_001324401.3); c.-91+27167G>C (NM_001324402.2); short protein forms K220N.
Identifiers: ClinVar variation 3621146 (VCV003621146.4).